The following is an entry in ClinVar:

ClinVar aggregate classification (germline): Uncertain significance (1 of 4 stars; one submission).

gnomAD v4.1: 3 of 1,547,018 alleles (0.00019%); highest among the groups gnomAD compares: African/African-American, 0.0041%; no homozygotes.

Submission:

GeneDx
Classification: Uncertain significance. Last evaluated: 2023-12-18. Review status: criteria provided, single submitter. Criteria: GeneDx Variant Classification Process June 2021. Collection method: clinical testing. Allele origin: germline. Affected: yes.
Comment: Not observed at significant frequency in large population cohorts (gnomAD); In silico analysis supports that this missense variant does not alter protein structure/function; Has not been previously published as pathogenic or benign to our knowledge

NM_014991.6(WDFY3):c.9841G>C (p.Glu3281Gln)

Gene: WDFY3 (WD repeat and FYVE domain containing 3; minus strand). Cytogenetic location: 4q21.23.
Variant type: single nucleotide variant.
Coding change: c.9841G>C on transcript NM_014991.6 (MANE Select); coding-DNA position 9841, G replaced by C.
Protein change: p.Glu3281Gln; replaces glutamic acid 3281 with glutamine.
Molecular consequence: missense variant.
Genome position (GRCh38, 1-based): chr4:84,679,225, C>G on the plus strand (G>C on the coding strand, the complement: WDFY3 is on the minus strand). VCF-style: chr4-84679225-C-G. GRCh37 (hg19) VCF-style: chr4-85600378-C-G.
Other names: short protein forms E3281Q.
Identifiers: ClinVar variation 3365726 (VCV003365726.1).